The following is an entry in ClinVar:

ClinVar aggregate classification (germline): Uncertain significance. Review status: criteria provided, single submitter (1 of 4 stars). 2 submissions from 2 submitters: Uncertain significance (1). 1 of the submissions does not count toward it. Last evaluated 2024-11-19.

Conditions:
Osteodysplastic primordial dwarfism, type 1 (MOPD1). Also called: Microcephalic Osteodysplastic Primordial Dwarfism, Type I; Microcephalic Osteodysplastic Primordial Dwarfism Type I/III (MOPDI) / Taybi-Linder Syndrome; MICROCEPHALIC OSTEODYSPLASTIC PRIMORDIAL DWARFISM, TYPE III; MOPD III; OSTEODYSPLASTIC PRIMORDIAL DWARFISM, TYPE III; MICROCEPHALIC OSTEODYSPLASTIC PRIMORDIAL DWARFISM TYPE I/III. Identifiers: Orphanet 2636, MedGen C1859452, MONDO:0008871, OMIM 210710.

gnomAD v4.1: 1 of 700,388 alleles (0.00014%); highest among the groups gnomAD compares: Non-Finnish European, 0.00026%; no homozygotes.

Submissions (2):

Labcorp Genetics (formerly Invitae), Labcorp
Classification: Uncertain significance. Last evaluated: 2024-11-19. Review status: criteria provided, single submitter. Criteria: Invitae Variant Classification Sherloc (09022015). Collection method: clinical testing. Allele origin: germline.
Comment: This variant occurs in the RNU4ATAC gene, which encodes an RNA molecule that does not result in a protein product. This variant is present in population databases (rs377619732, gnomAD 0.002%). This variant has been observed in individual(s) with microcephalic osteodysplastic primordial dwarfism (PMID: 22581640). ClinVar contains an entry for this variant (Variation ID: 39442). Experimental studies and prediction algorithms are not available or were not evaluated, and the functional significance of this variant is currently unknown. In summary, the available evidence is currently insufficient to determine the role of this variant in disease. Therefore, it has been classified as a Variant of Uncertain Significance.

OMIM
Classification: Pathogenic for MICROCEPHALIC OSTEODYSPLASTIC PRIMORDIAL DWARFISM, TYPE I. Last evaluated: 2012-06-01. Review status: no assertion criteria provided. Collection method: literature only. Allele origin: germline. Not counted in ClinVar's aggregate classification.

Literature cited by the submitters: PubMed 22581640 (cited by Labcorp Genetics (formerly Invitae), Labcorp and OMIM).

NC_000002.12:g.121530945G>C

Genes: CLASP1 (cytoplasmic linker associated protein 1; minus strand), CLASP1-AS1 (CLASP1 antisense RNA 1; plus strand), RNU4ATAC (RNA, U4atac small nuclear; plus strand). Cytogenetic location: 2q14.2.
Variant type: single nucleotide variant.
Molecular consequence: intron variant (on NM_001395891.1).
Genome position: GRCh38 VCF-style: chr2-121530945-G-C. GRCh37 (hg19) VCF-style: chr2-122288521-G-C.
Other names: 66G-C; c.196-620C>G (NM_001142273.2, NM_001207051.2, NM_001378005.1 and 5 more transcripts).
Identifiers: ClinVar variation 39442 (VCV000039442.7), dbSNP rs377619732, ClinGen allele CA130298.
Genomic context (GRCh38, chr2:121,530,945, plus strand): 5'-TCCTTTTCTTGGGGTTGCGCTACTGTCCAATGAGCGCATAGTGAGGGCAGTACTGCTAAC[G>C]CCTGAACAACACACCCGCATCAACTAGAGCTTTTGCTTTATTTTGGTGCAATTTTTGGAA-3'